The following is an entry in ClinVar:

ClinVar aggregate classification (germline): Uncertain significance (1 of 4 stars; one submission).

Submission:

Ambry Genetics
Classification: Uncertain significance. Last evaluated: 2025-02-13. Review status: criteria provided, single submitter. Criteria: Ambry Variant Classification Scheme 2023. Collection method: clinical testing. Allele origin: germline.
Comment: The p.K104E variant (also known as c.310A>G), located in coding exon 2 of the GEN1 gene, results from an A to G substitution at nucleotide position 310. The lysine at codon 104 is replaced by glutamic acid, an amino acid with similar properties. This amino acid position is conserved. In addition, this alteration is predicted to be tolerated by in silico analysis. Based on the available evidence, the clinical significance of this variant remains unclear.

NM_001130009.3(GEN1):c.310A>G (p.Lys104Glu)

Gene: GEN1 (GEN1 Holliday junction 5' flap endonuclease; plus strand). Cytogenetic location: 2p24.2.
Variant type: single nucleotide variant.
Coding change: c.310A>G on transcript NM_001130009.3 (MANE Select); coding-DNA position 310, A replaced by G.
Protein change: p.Lys104Glu; replaces lysine 104 with glutamic acid.
Molecular consequence: missense variant.
Genome position (GRCh38, 1-based): chr2:17,761,544, A>G. VCF-style: chr2-17761544-A-G. GRCh37 (hg19) VCF-style: chr2-17942811-A-G.
Other names: c.310A>G, p.Lys104Glu (NM_182625.5); short protein forms K104E.
Identifiers: ClinVar variation 3853569 (VCV003853569.1).